The following is an entry in ClinVar:

NM_016203.4(PRKAG2):c.676T>C (p.Ser226Pro)

Gene: PRKAG2 (protein kinase AMP-activated non-catalytic subunit gamma 2; minus strand). Cytogenetic location: 7q36.1.
Variant type: single nucleotide variant.
Coding change: c.676T>C on transcript NM_016203.4 (MANE Select); coding-DNA position 676, T replaced by C.
Protein change: p.Ser226Pro; replaces serine 226 with proline.
Molecular consequence: missense variant. On other transcripts: intron variant (5).
Genome position (GRCh38, 1-based): chr7:151,675,428, A>G on the plus strand (T>C on the coding strand, the complement: PRKAG2 is on the minus strand). VCF-style: chr7-151675428-A-G. GRCh37 (hg19) VCF-style: chr7-151372514-A-G.
Other names: c.544T>C, p.Ser182Pro (NM_001040633.2, NM_001407024.1, NM_001407026.1 and 1 more transcripts); c.304T>C, p.Ser102Pro (NM_001304527.2, NM_001363698.2, NM_001407028.1 and 1 more transcripts); c.676T>C, p.Ser226Pro (NM_001407021.1, NM_001407022.1, NM_001407023.1); c.358T>C, p.Ser120Pro (NM_001407032.1); c.467-79977T>C (NM_001407031.1); c.467-79974T>C (NM_001407030.1); c.361-43290T>C (NM_001407033.1); c.94+60472T>C (NM_001407037.1); and 1 more; short protein forms S102P, S120P, S182P, S226P.
Identifiers: ClinVar variation 4614758 (VCV004614758.1).

ClinVar aggregate classification (germline): Uncertain significance (1 of 4 stars; one submission).

Conditions:
Cardiovascular phenotype. Identifiers: MedGen CN230736.

Submission:

Ambry Genetics
Classification: Uncertain significance for Cardiovascular phenotype. Last evaluated: 2025-11-22. Review status: criteria provided, single submitter. Criteria: Ambry Variant Classification Scheme 2023. Collection method: clinical testing. Allele origin: germline.
Comment: The p.S226P variant (also known as c.676T>C), located in coding exon 4 of the PRKAG2 gene, results from a T to C substitution at nucleotide position 676. The serine at codon 226 is replaced by proline, an amino acid with similar properties. This amino acid position is conserved. In addition, this alteration is predicted to be tolerated by in silico analysis. Based on the available evidence, the clinical significance of this variant remains unclear.